The following is an entry in ClinVar:

ClinVar aggregate classification (germline): Uncertain significance (1 of 4 stars; one submission).

Submissions (2):

Labcorp Genetics (formerly Invitae), Labcorp
Classification: Uncertain significance. Last evaluated: 2024-10-22. Review status: criteria provided, single submitter. Criteria: Invitae Variant Classification Sherloc (09022015). Collection method: clinical testing. Allele origin: germline.
Comment: This sequence change falls in intron 2 of the P3H2 gene. It does not directly change the encoded amino acid sequence of the P3H2 protein. This variant is not present in population databases (gnomAD no frequency). This variant has not been reported in the literature in individuals affected with P3H2-related conditions. ClinVar contains an entry for this variant (Variation ID: 1387880). Algorithms developed to predict the effect of sequence changes on RNA splicing suggest that this variant may disrupt the consensus splice site. In summary, the available evidence is currently insufficient to determine the role of this variant in disease. Therefore, it has been classified as a Variant of Uncertain Significance.

Dr. Peter K. Rogan Lab, Western University
No classification provided (evidence only). Condition: Ovarian serous cystadenocarcinoma. Review status: no classification provided. Collection method: in vitro. Allele origin: not applicable. Functional consequence: retained intron. Not counted in ClinVar's aggregate classification.

NM_018192.4(P3H2):c.634-17C>A

Gene: P3H2 (prolyl 3-hydroxylase 2; minus strand). Cytogenetic location: 3q28.
Variant type: single nucleotide variant.
Coding change: c.634-17C>A on transcript NM_018192.4 (MANE Select); 17 bases into the intron before coding-DNA position 634, C replaced by A.
Molecular consequence: intron variant.
Genome position (GRCh38, 1-based): chr3:189,994,300, G>T on the plus strand (C>A on the coding strand, the complement: P3H2 is on the minus strand). VCF-style: chr3-189994300-G-T. GRCh37 (hg19) VCF-style: chr3-189712089-G-T.
Other names: c.91-17C>A (NM_001134418.2).
Identifiers: ClinVar variation 1387880 (VCV001387880.7), dbSNP rs1719599, ClinGen allele CA2573136835.
Genomic context (GRCh38, chr3:189,994,300, plus strand): 5'-AAGTCATCAGCCTCATAATGTTTAACTCCTGCATTGTAACTCTCCTGTAATGAAACAGAC[G>T]GGAAAAAACAAACAAACAAACAAACAAACAAACAAAAAAACCCTTATTTTCAAAGAGAAG-3'